The following is an entry in ClinVar:

ClinVar aggregate classification (germline): Uncertain significance. Review status: criteria provided, multiple submitters, no conflicts (2 of 4 stars). 3 submissions from 3 submitters: Uncertain significance (3). Last evaluated 2025-06-30.

Conditions:
Pheochromocytoma. Also called: MAX-Related Hereditary Paraganglioma-Pheochromocytoma Syndrome. Identifiers: Orphanet 29072, MedGen C0031511, MONDO:0008233, OMIM 171300, HP:0002666.
Cowden syndrome 3 (CWS3). Identifiers: Orphanet 201, MedGen CN166604, MONDO:0014045.
Paragangliomas with sensorineural hearing loss. Identifiers: MedGen C1868633.
Carney-Stratakis syndrome. Also called: PARAGANGLIOMA AND GASTROINTESTINAL STROMAL TUMOR. Identifiers: Orphanet 97286, MedGen C1847319, MONDO:0011740, OMIM 606864.
Pheochromocytoma/paraganglioma syndrome 1. Also called: PARAGANGLIOMATA; Paragangliomas 1; Glomus tumors familial 1; Paraganglioma - glomus jugulare; SDHD-Related Hereditary Paraganglioma-Pheochromocytoma Syndrome; PARAGANGLIOMAS, FAMILIAL NONCHROMAFFIN, 1. Identifiers: Orphanet 29072, MedGen C3494181, MONDO:0008192, OMIM 168000.
Mitochondrial complex 2 deficiency, nuclear type 3. Also called: MITOCHONDRIAL COMPLEX II DEFICIENCY, NUCLEAR TYPE 3. Identifiers: MedGen C5436934, MONDO:0030937, OMIM 619167.
Hereditary cancer-predisposing syndrome. Also called: Hereditary neoplastic syndrome; Neoplastic Syndromes, Hereditary; Tumor predisposition; Hereditary Cancer Syndrome. Identifiers: Orphanet 140162, MedGen C0027672, MeSH D009386, MONDO:0015356.

Submissions (3):

Labcorp Genetics (formerly Invitae), Labcorp
Classification: Uncertain significance for Carney-Stratakis syndrome; Paragangliomas with sensorineural hearing loss; Pheochromocytoma; Cowden syndrome 3. Last evaluated: 2025-06-30. Review status: criteria provided, single submitter. Criteria: Invitae Variant Classification Sherloc (09022015). Collection method: clinical testing. Allele origin: germline.
Comment: This sequence change falls in intron 3 of the SDHD gene. It does not directly change the encoded amino acid sequence of the SDHD protein. Information on the frequency of this variant in the gnomAD database is not available, as this variant may be reported differently in the database. This variant has not been reported in the literature in individuals affected with SDHD-related conditions. ClinVar contains an entry for this variant (Variation ID: 412508). In summary, the available evidence is currently insufficient to determine the role of this variant in disease. Therefore, it has been classified as a Variant of Uncertain Significance.

Fulgent Genetics
Classification: Uncertain significance for Pheochromocytoma/paraganglioma syndrome 1; Carney-Stratakis syndrome; Mitochondrial complex 2 deficiency, nuclear type 3. Last evaluated: 2024-03-01. Review status: criteria provided, single submitter. Criteria: ACMG Guidelines, 2015. Collection method: clinical testing. Allele origin: germline.

Ambry Genetics
Classification: Uncertain significance for Hereditary cancer-predisposing syndrome. Last evaluated: 2023-09-27. Review status: criteria provided, single submitter. Criteria: Ambry Variant Classification Scheme 2023. Collection method: clinical testing. Allele origin: germline.
Comment: The c.315-7_315-5delTCTinsAAA intronic variant begins 7 nucleotides before coding exon 4 in the SDHD gene. This variant results from a deletion of TCT and insertion of AAA at positions c.315-7 to c.315-5. This nucleotide region is not well conserved in available vertebrate species. In silico splice site analysis predicts that this alteration may weaken the native splice acceptor site. Since supporting evidence is limited at this time, the clinical significance of this alteration remains unclear.

NM_003002.4(SDHD):c.315-7_315-5delinsAAA

Gene: SDHD (succinate dehydrogenase complex subunit D; plus strand). Cytogenetic location: 11q23.1.
Variant type: Indel.
Coding change: c.315-7_315-5delinsAAA on transcript NM_003002.4 (MANE Select); 7 bases into the intron before coding-DNA position 315 through 5 bases into the intron before coding-DNA position 315, TCT replaced by AAA.
Molecular consequence: intron variant.
Genome position (GRCh38, 1-based): chr11:112,094,798-112,094,800, TCT replaced by AAA. VCF-style: chr11-112094798-TCT-AAA. GRCh37 (hg19) VCF-style: chr11-111965522-TCT-AAA.
Other names: c.170-7_170-5delinsAAA (NM_001276503.2); c.198-7_198-5delinsAAA (NM_001276504.2); c.13-7_13-5delinsAAA (NM_001276506.2); c.315-7_315-5delTCTinsAAA (NM_003002.2).
Identifiers: ClinVar variation 412508 (VCV000412508.8), dbSNP rs1060503775, ClinGen allele CA16613250.
Genomic context (GRCh38, chr11:112,094,798, plus strand): 5'-TATCTGTATAGTCTTCTAATTTCACTGTGGTTTTTTATTGATGTTATGATTTTTTCTTTT[TCT>AAA]TTAGGGGCCTTGGACAAGTTGTTACTGACTATGTTCATGGGGATGCCTTGCAGAAAGCTG-3'